The following is an entry in ClinVar:

NM_000256.3(MYBPC3):c.1252A>T (p.Lys418Ter)

Gene: MYBPC3 (myosin binding protein C3; minus strand). Cytogenetic location: 11p11.2.
Variant type: single nucleotide variant.
Coding change: c.1252A>T on transcript NM_000256.3 (MANE Select); coding-DNA position 1252, A replaced by T.
Protein change: p.Lys418Ter; replaces lysine 418 with a stop codon.
Molecular consequence: nonsense.
Genome position (GRCh38, 1-based): chr11:47,343,120, T>A on the plus strand (A>T on the coding strand, the complement: MYBPC3 is on the minus strand). VCF-style: chr11-47343120-T-A. GRCh37 (hg19) VCF-style: chr11-47364671-T-A.
Other names: p.K418*:AAG>TAG; c.1252A>T, p.Lys418Ter (LRG_386t1); short protein forms K418*.
Identifiers: ClinVar variation 180927 (VCV000180927.5), dbSNP rs730880533, ClinGen allele CA009986.
Genomic context (GRCh38, chr11:47,343,120, plus strand): 5'-CCACGCACTGGTAGGCTGCGTCGTCCGCCAATGAGCACTGGCTGATGGTCAGGGTACGCT[T>A]GGCACCGATGGACTCAAAGATGTACCTGGGTGGGGGCCGCAGGGAAGTGGCAGGAAAGCT-3'

ClinVar aggregate classification (germline): Pathogenic. Review status: criteria provided, multiple submitters, no conflicts (2 of 4 stars). 4 submissions from 4 submitters: Pathogenic (4). Last evaluated 2023-12-18.

Conditions:
Cardiovascular phenotype. Identifiers: MedGen CN230736.
Cardiomyopathy (CMYO). Also called: Cardiomyopathies. Identifiers: Orphanet 167848, MedGen C0878544, MONDO:0004994, HP:0001638. Inheritance: Various modes of inheritance.
Hypertrophic cardiomyopathy. Also called: HYPERTROPHIC MYOCARDIOPATHY. Identifiers: Orphanet 217569, MedGen C0007194, MeSH D002312, MONDO:0005045, HP:0001639.

Submissions (4):

Ambry Genetics
Classification: Pathogenic for Cardiovascular phenotype. Last evaluated: 2023-12-18. Review status: criteria provided, single submitter. Criteria: Ambry Variant Classification Scheme 2023. Collection method: clinical testing. Allele origin: germline.
Comment: The p.K418* pathogenic mutation (also known as c.1252A>T), located in coding exon 15 of the MYBPC3 gene, results from an A to T substitution at nucleotide position 1252. This changes the amino acid from a lysine to a stop codon within coding exon 15. This variant is considered to be rare based on population cohorts in the Genome Aggregation Database (gnomAD). This alteration is expected to result in loss of function by premature protein truncation or nonsense-mediated mRNA decay. As such, this alteration is interpreted as a disease-causing mutation.

All of Us Research Program, National Institutes of Health
Classification: Pathogenic for Hypertrophic cardiomyopathy. Last evaluated: 2023-10-02. Review status: criteria provided, single submitter. Criteria: ACMG Guidelines, 2015. Collection method: clinical testing. Allele origin: germline. Inheritance: Autosomal dominant inheritance. Observed: 1 variant allele, 1 heterozygote.
Comment: This variant changes 1 nucleotide in exon 15 of the MYBPC3 gene, creating a premature translation stop signal. This variant is expected to result in an absent or non-functional protein product. To our knowledge, this variant has not been reported in individuals affected with MYBPC3-related disorders in the literature. This variant has not been identified in the general population by the Genome Aggregation Database (gnomAD). Loss of MYBPC3 function is a known mechanism of disease. Based on the available evidence, this variant is classified as Pathogenic.

This study involves interpretation of variants in research participants for the purpose of population health screening. Participant phenotype was not available at the time of variant classification. Additional details can be found in publication PMID: 35346344, PMCID: PMC8962531

Color Diagnostics, LLC DBA Color Health
Classification: Pathogenic for Cardiomyopathy. Last evaluated: 2023-08-16. Review status: criteria provided, single submitter. Criteria: ACMG Guidelines, 2015. Collection method: clinical testing. Allele origin: germline.
Comment: This variant changes 1 nucleotide in exon 15 of the MYBPC3 gene, creating a premature translation stop signal. This variant is expected to result in an absent or non-functional protein product. To our knowledge, this variant has not been reported in individuals affected with MYBPC3-related disorders in the literature. This variant has not been identified in the general population by the Genome Aggregation Database (gnomAD). Loss of MYBPC3 function is a known mechanism of disease. Based on the available evidence, this variant is classified as Pathogenic.

GeneDx
Classification: Pathogenic. Last evaluated: 2016-10-21. Review status: criteria provided, single submitter. Criteria: GeneDx Variant Classification (06012015). Collection method: clinical testing. Allele origin: germline. Affected: yes.
Comment: The K418X mutation in the MYBPC3 gene has not been reported as a pathogenic variant or as a benign polymorphism to our knowledge. K418X is predicted to cause loss of normal protein function either by protein truncation or nonsense-mediated mRNA decay. Other nonsense mutations in the MYBPC3 gene have been reported in association with HCM. In summary, K418X in the MYBPC3 gene is interpreted as a pathogenic variant. The variant is found in HCM panel(s).